The following is an entry in ClinVar:

NM_001042492.3(NF1):c.7429C>T (p.Pro2477Ser)

Gene: NF1 (neurofibromin 1; plus strand). Cytogenetic location: 17q11.2.
Variant type: single nucleotide variant.
Coding change: c.7429C>T on transcript NM_001042492.3 (MANE Select); coding-DNA position 7429, C replaced by T.
Protein change: p.Pro2477Ser; replaces proline 2477 with serine.
Molecular consequence: missense variant.
Genome position (GRCh38, 1-based): chr17:31,350,290, C>T. VCF-style: chr17-31350290-C-T. GRCh37 (hg19) VCF-style: chr17-29677308-C-T.
Other names: c.7366C>T, p.Pro2456Ser (NM_000267.4); short protein forms P2456S, P2477S.
Identifiers: ClinVar variation 954665 (VCV000954665.8), dbSNP rs876658722, ClinGen allele CA399017172.

ClinVar aggregate classification (germline): Uncertain significance. Review status: criteria provided, multiple submitters, no conflicts (2 of 4 stars). 3 submissions from 3 submitters: Uncertain significance (3). Last evaluated 2024-12-02.

Conditions:
Juvenile myelomonocytic leukemia (JMML). Also called: LEUKEMIA, JUVENILE MYELOMONOCYTIC, SOMATIC. Identifiers: Orphanet 86834, MedGen C0349639, MONDO:0011908, OMIM 607785, HP:0012209.
Neurofibromatosis, type 1 (NF1). Also called: VON RECKLINGHAUSEN DISEASE; NEUROFIBROMATOSIS, TYPE I, SOMATIC; Peripheral type neurofibromatosis; Neurofibromatosis, type I. Identifiers: Orphanet 636, MedGen C0027831, MONDO:0018975, OMIM 162200. Disease mechanism: loss of function.

Submissions (3):

Labcorp Genetics (formerly Invitae), Labcorp
Classification: Uncertain significance for Neurofibromatosis, type 1. Last evaluated: 2024-12-02. Review status: criteria provided, single submitter. Criteria: Invitae Variant Classification Sherloc (09022015). Collection method: clinical testing. Allele origin: germline.
Comment: This sequence change replaces proline, which is neutral and non-polar, with serine, which is neutral and polar, at codon 2456 of the NF1 protein (p.Pro2456Ser). This variant is not present in population databases (gnomAD no frequency). This variant has not been reported in the literature in individuals affected with NF1-related conditions. ClinVar contains an entry for this variant (Variation ID: 954665). Invitae Evidence Modeling of protein sequence and biophysical properties (such as structural, functional, and spatial information, amino acid conservation, physicochemical variation, residue mobility, and thermodynamic stability) indicates that this missense variant is not expected to disrupt NF1 protein function with a negative predictive value of 95%. In summary, the available evidence is currently insufficient to determine the role of this variant in disease. Therefore, it has been classified as a Variant of Uncertain Significance.

GeneDx
Classification: Uncertain significance. Last evaluated: 2023-10-25. Review status: criteria provided, single submitter. Criteria: GeneDx Variant Classification Process June 2021. Collection method: clinical testing. Allele origin: germline. Affected: yes.
Comment: Not observed at significant frequency in large population cohorts (gnomAD); In silico analysis supports that this missense variant does not alter protein structure/function; Co-occurred with a second NF1 variant in a patient with neurofibromatosis type 1 (PMID: 12522551); This variant is associated with the following publications: (PMID: 16528606, 12522551)

Baylor Genetics
Classification: Uncertain significance for Juvenile myelomonocytic leukemia. Last evaluated: 2023-08-25. Review status: criteria provided, single submitter. Criteria: ACMG Guidelines, 2015. Collection method: clinical testing. Allele origin: unknown.